The following is an entry in ClinVar:

ClinVar aggregate classification (germline): Likely benign. Review status: criteria provided, multiple submitters, no conflicts (2 of 4 stars). 2 submissions from 2 submitters: Likely benign (2). Last evaluated 2024-09-28.

Conditions:
Hereditary sensory neuropathy-deafness-dementia syndrome. Also called: Hereditary sensory neuropathy type IE; NEUROPATHY, HEREDITARY SENSORY, WITH HEARING LOSS AND DEMENTIA; Hereditary Sensory and Autonomic Neuropathy Type 1E (HSAN1E); HSN IE. Identifiers: Orphanet 456318, MedGen C3279885, MONDO:0013584, OMIM 614116.

Allele frequency attached by ClinVar (database versions not stated): TOPMed 0.00002; ExAC 0.00005; gnomAD exomes 0.00006; 1000 Genomes Project 0.00040; 1000 Genomes Project 30x 0.00078.
gnomAD v4.1: 57 of 1,609,412 alleles (0.0035%); highest among the groups gnomAD compares: South Asian, 0.054%; no homozygotes.

Submissions (2):

Labcorp Genetics (formerly Invitae), Labcorp
Classification: Likely benign for Hereditary sensory neuropathy-deafness-dementia syndrome. Last evaluated: 2024-09-28. Review status: criteria provided, single submitter. Criteria: Invitae Variant Classification Sherloc (09022015). Collection method: clinical testing. Allele origin: germline.

Illumina Laboratory Services, Illumina
Classification: Likely benign for Hereditary sensory neuropathy-deafness-dementia syndrome. Last evaluated: 2018-01-12. Review status: criteria provided, single submitter. Criteria: ICSL Variant Classification Criteria 13 December 2019. Collection method: clinical testing. Allele origin: germline.
Comment: This variant was observed in the ICSL laboratory as part of a predisposition screen in an ostensibly healthy population. It had not been previously curated by ICSL or reported in the Human Gene Mutation Database (HGMD: prior to June 1st, 2018), and was therefore a candidate for classification through an automated scoring system. Utilizing variant allele frequency, disease prevalence and penetrance estimates, and inheritance mode, an automated score was calculated to assess if this variant is too frequent to cause the disease. Based on the score and internal cut-off values, a variant classified as likely benign is not then subjected to further curation. The score for this variant resulted in a classification of likely benign for this disease.

NM_001130823.3(DNMT1):c.1066G>A (p.Ala356Thr)

Gene: DNMT1 (DNA methyltransferase 1; minus strand). Cytogenetic location: 19p13.2.
Variant type: single nucleotide variant.
Coding change: c.1066G>A on transcript NM_001130823.3 (MANE Select); coding-DNA position 1066, G replaced by A.
Protein change: p.Ala356Thr; replaces alanine 356 with threonine.
Molecular consequence: missense variant.
Genome position (GRCh38, 1-based): chr19:10,160,041, C>T on the plus strand (G>A on the coding strand, the complement: DNMT1 is on the minus strand). VCF-style: chr19-10160041-C-T. GRCh37 (hg19) VCF-style: chr19-10270717-C-T.
Other names: c.1066G>A (LRG_362t1); c.1018G>A, p.Ala340Thr (NM_001318730.2, NM_001379.4); c.703G>A, p.Ala235Thr (NM_001318731.2); short protein forms A356T, A340T, A235T.
Identifiers: ClinVar variation 539599 (VCV000539599.13), dbSNP rs529074384, ClinGen allele CA9188406.